The following is an entry in ClinVar:

ClinVar aggregate classification (germline): Conflicting classifications of pathogenicity. Review status: criteria provided, conflicting classifications (1 of 4 stars). 2 submissions from 2 submitters: Uncertain significance (1); Likely benign (1). Last evaluated 2024-12-04.

Conditions:
Nemaline myopathy 2 (NEM2). Also called: Nemaline myopathy 2, autosomal recessive. Identifiers: MedGen C1850569, MONDO:0009725, OMIM 256030.

Allele frequency attached by ClinVar (database versions not stated): gnomAD exomes below 0.00001 and 0.00001; TOPMed below 0.00001.
gnomAD v4.1: 10 of 1,611,956 alleles (0.00062%); highest among the groups gnomAD compares: Non-Finnish European, 0.00085%; no homozygotes.

Submissions (2):

GeneDx
Classification: Uncertain significance. Last evaluated: 2024-12-04. Review status: criteria provided, single submitter. Criteria: GeneDx Variant Classification Process June 2021. Collection method: clinical testing. Allele origin: germline. Affected: yes.
Comment: Not observed at significant frequency in large population cohorts (gnomAD); In silico analysis indicates that this variant does not alter splicing; Has not been previously published as pathogenic or benign to our knowledge

Labcorp Genetics (formerly Invitae), Labcorp
Classification: Likely benign for Nemaline myopathy 2. Last evaluated: 2023-10-03. Review status: criteria provided, single submitter. Criteria: Invitae Variant Classification Sherloc (09022015). Collection method: clinical testing. Allele origin: germline.

NM_001164508.2(NEB):c.606C>T (p.Phe202=)

Gene: NEB (nebulin; minus strand). Cytogenetic location: 2q23.3.
Variant type: single nucleotide variant.
Coding change: c.606C>T on transcript NM_001164508.2 (MANE Select); coding-DNA position 606, C replaced by T.
Protein change: p.Phe202=; no amino-acid change (phenylalanine 202 retained).
Molecular consequence: synonymous variant.
Genome position (GRCh38, 1-based): chr2:151,724,266, G>A on the plus strand (C>T on the coding strand, the complement: NEB is on the minus strand). VCF-style: chr2-151724266-G-A. GRCh37 (hg19) VCF-style: chr2-152580780-G-A.
Other names: c.606C>T, p.Phe202= (NM_001164507.2, NM_001271208.2, NM_004543.5); c.606C>T (NM_001271208.1).
Identifiers: ClinVar variation 1568771 (VCV001568771.9), dbSNP rs1426246334, ClinGen allele CA429231497.